The following is an entry in ClinVar:

ClinVar aggregate classification (germline): Likely pathogenic (1 of 4 stars; one submission).

Allele frequency attached by ClinVar (database versions not stated): gnomAD 0.00002; TOPMed 0.00002; ExAC 0.00003; gnomAD exomes 0.00003.
gnomAD v4.1: 37 of 1,195,785 alleles (0.0031%); highest among the groups gnomAD compares: Non-Finnish European, 0.004%; no homozygotes.

Submission:

Mayo Clinic Laboratories, Mayo Clinic
Classification: Likely pathogenic. Last evaluated: 2022-07-01. Review status: criteria provided, single submitter. Criteria: ACMG Guidelines, 2015. Collection method: clinical testing. Allele origin: germline. Observed: 2 variant alleles.
Comment: PM2, PM4, PS3

NM_000132.4(F8):c.602-11T>C

Gene: F8 (coagulation factor VIII; minus strand). Cytogenetic location: Xq28.
Variant type: single nucleotide variant.
Coding change: c.602-11T>C on transcript NM_000132.4 (MANE Select); 11 bases into the intron before coding-DNA position 602, T replaced by C.
Molecular consequence: intron variant.
Genome position (GRCh38, 1-based): chrX:154,987,316, A>G on the plus strand (T>C on the coding strand, the complement: F8 is on the minus strand). VCF-style: chrX-154987316-A-G. GRCh37 (hg19) VCF-style: chrX-154215591-A-G.
Other names: p.?.
Identifiers: ClinVar variation 2683590 (VCV002683590.1), dbSNP rs782681643, ClinGen allele CA10568567.
Genomic context (GRCh38, chrX:154,987,316, plus strand): 5'-AAGTAGTATAAATTTGTGCAAGGTCTGTGTCTTTTCCTTGGCCAGACTCCCTGAAAAAGA[A>G]GTGAGAACATTTATCTTCTATTTAAAAAATCTCATTGTAGGAAATTGTCACTAGGAGGAG-3'